The following is an entry in ClinVar:

ClinVar aggregate classification (germline): Uncertain significance (1 of 4 stars; one submission).

Conditions:
Primary familial hypertrophic cardiomyopathy (HCM). Identifiers: Orphanet 99739, MedGen C0949658, MeSH D024741, MONDO:0024573. Inheritance: Various modes of inheritance.
Dilated cardiomyopathy 1AA (CMD1AA). Also called: CARDIOMYOPATHY, DILATED, 1AA, WITH OR WITHOUT LEFT VENTRICULAR NONCOMPACTION; CARDIOMYOPATHY, FAMILIAL HYPERTROPHIC, 23, WITH OR WITHOUT LEFT VENTRICULAR NONCOMPACTION; Cardiomyopathy, dilated, 1AA, with or without LVNC. Identifiers: Orphanet 154, MedGen C2677338, MONDO:0012808, OMIM 612158.

Allele frequency attached by ClinVar (database versions not stated): gnomAD exomes below 0.00001.
gnomAD v4.1: 6 of 1,614,130 alleles (0.00037%); highest among the groups gnomAD compares: African/African-American, 0.0013%; no homozygotes.

Submission:

Labcorp Genetics (formerly Invitae), Labcorp
Classification: Uncertain significance for Primary familial hypertrophic cardiomyopathy; Dilated cardiomyopathy 1AA. Last evaluated: 2024-02-25. Review status: criteria provided, single submitter. Criteria: Invitae Variant Classification Sherloc (09022015). Collection method: clinical testing. Allele origin: germline.
Comment: This sequence change replaces glycine, which is neutral and non-polar, with valine, which is neutral and non-polar, at codon 258 of the ACTN2 protein (p.Gly258Val). This variant is not present in population databases (gnomAD no frequency). This variant has not been reported in the literature in individuals affected with ACTN2-related conditions. Advanced modeling of protein sequence and biophysical properties (such as structural, functional, and spatial information, amino acid conservation, physicochemical variation, residue mobility, and thermodynamic stability) performed at Invitae indicates that this missense variant is expected to disrupt ACTN2 protein function with a positive predictive value of 80%. In summary, the available evidence is currently insufficient to determine the role of this variant in disease. Therefore, it has been classified as a Variant of Uncertain Significance.

NM_001103.4(ACTN2):c.773G>T (p.Gly258Val)

Gene: ACTN2 (actinin alpha 2; plus strand). Cytogenetic location: 1q43.
Variant type: single nucleotide variant.
Coding change: c.773G>T on transcript NM_001103.4 (MANE Select); coding-DNA position 773, G replaced by T.
Protein change: p.Gly258Val; replaces glycine 258 with valine.
Molecular consequence: missense variant. On other transcripts: non-coding transcript variant (1), intron variant (1).
Genome position (GRCh38, 1-based): chr1:236,735,710, G>T. VCF-style: chr1-236735710-G-T. GRCh37 (hg19) VCF-style: chr1-236899010-G-T.
Other names: c.38G>T, p.Gly13Val (NM_001278344.2); c.-88G>T (NM_001412150.1); c.783+1192G>T (NM_001278343.2); short protein forms G258V, G13V.
Identifiers: ClinVar variation 2936226 (VCV002936226.3), dbSNP rs2527587304, ClinGen allele CA345377718.